The following is an entry in ClinVar:

NM_001042492.3(NF1):c.2410-16A>G

Gene: NF1 (neurofibromin 1; plus strand). Cytogenetic location: 17q11.2.
Variant type: single nucleotide variant.
Coding change: c.2410-16A>G on transcript NM_001042492.3 (MANE Select); 16 bases into the intron before coding-DNA position 2410, A replaced by G.
Molecular consequence: intron variant.
Genome position (GRCh38, 1-based): chr17:31,229,009, A>G. VCF-style: chr17-31229009-A-G. GRCh37 (hg19) VCF-style: chr17-29556027-A-G.
Other names: c.2410-16A>G (NM_000267.4).
Identifiers: ClinVar variation 572474 (VCV000572474.54), dbSNP rs1567848704, ClinGen allele CA658761077.

ClinVar aggregate classification (germline): Pathogenic/Likely pathogenic. Review status: criteria provided, multiple submitters, no conflicts (2 of 4 stars). 8 submissions from 8 submitters: Pathogenic (6); Likely pathogenic (2). Last evaluated 2026-01-26.

Conditions:
Neurofibromatosis, type 1 (NF1). Also called: Neurofibromatosis, type I; VON RECKLINGHAUSEN DISEASE; NEUROFIBROMATOSIS, TYPE I, SOMATIC; Peripheral type neurofibromatosis. Identifiers: Orphanet 636, MedGen C0027831, MONDO:0018975, OMIM 162200. Disease mechanism: loss of function.

Allele frequency attached by ClinVar (database versions not stated): gnomAD exomes below 0.00001.
gnomAD v4.1: 1 of 1,587,706 alleles (0.000063%); no homozygotes.

Submissions (8):

Medical and Scientific Branch, Hong Kong Genome Institute
Classification: Pathogenic for Neurofibromatosis, type 1. Last evaluated: 2026-01-26. Review status: criteria provided, single submitter. Criteria: ACMG Guidelines, 2015. Collection method: clinical testing. Allele origin: de novo. Affected: yes.

Labcorp Genetics (formerly Invitae), Labcorp
Classification: Pathogenic for Neurofibromatosis, type 1. Last evaluated: 2025-03-17. Review status: criteria provided, single submitter. Criteria: Invitae Variant Classification Sherloc (09022015). Collection method: clinical testing. Allele origin: germline.
Comment: This sequence change falls in intron 20 of the NF1 gene. It does not directly change the encoded amino acid sequence of the NF1 protein. RNA analysis indicates that this variant induces altered splicing and may result in an absent or altered protein product. This variant is not present in population databases (gnomAD no frequency). This variant has been observed in individuals with neurofibromatosis type I (PMID: 10607834, 18546366, 27322474). ClinVar contains an entry for this variant (Variation ID: 572474). Studies have shown that this variant results in use of a novel splice site, and produces a non-functional protein and/or introduces a premature termination codon (PMID: 32126153). For these reasons, this variant has been classified as Pathogenic.

GeneDx
Classification: Pathogenic. Last evaluated: 2024-09-04. Review status: criteria provided, single submitter. Criteria: GeneDx Variant Classification Process June 2021. Collection method: clinical testing. Allele origin: germline. Affected: yes.
Comment: Not observed at significant frequency in large population cohorts (gnomAD); Also known as IVS15-16 A>G; This variant is associated with the following publications: (PMID: 32126153, 27322474, 36397418, 29471550, 10607834, 18546366)

Centre of Medical Genetics, University Hospital Muenster
Classification: Pathogenic for Neurofibromatosis, type 1. Last evaluated: 2022-04-11. Review status: criteria provided, single submitter. Criteria: ACMG Guidelines, 2015. Collection method: clinical testing. Allele origin: germline. Affected: yes. Observed: 1 variant allele, 1 heterozygote.
Comment: ACMG categories: PS4,PS5,PM2,PP5

Genome-Nilou Lab
Classification: Likely pathogenic for Neurofibromatosis, type 1. Last evaluated: 2022-03-15. Review status: criteria provided, single submitter. Criteria: ACMG Guidelines, 2015. Collection method: clinical testing. Allele origin: germline. Affected: no.

UAB Medical Genomics Laboratory, UAB Medicine
Classification: Pathogenic for Neurofibromatosis, type 1. Last evaluated: 2020-01-20. Review status: criteria provided, single submitter. Criteria: ACMG Guidelines, 2015. Collection method: clinical testing. Allele origin: germline. Affected: yes.

CeGaT Center for Human Genetics Tuebingen
Classification: Pathogenic. Last evaluated: 2017-01-01. Review status: criteria provided, single submitter. Criteria: CeGaT Center For Human Genetics Tuebingen Variant Classification Criteria Version 2. Collection method: clinical testing. Allele origin: germline. Affected: yes. Observed: 1 variant allele.

Department of Pathology and Laboratory Medicine, Sinai Health System
Classification: Likely pathogenic for neurofibromatosis type 1. Review status: criteria provided, single submitter. Criteria: ACMG Guidelines, 2015. Collection method: clinical testing. Allele origin: germline.

Literature cited by the submitters: PubMed 10607834 (cited by Labcorp Genetics (formerly Invitae), Labcorp); PubMed 18546366 (cited by Labcorp Genetics (formerly Invitae), Labcorp); PubMed 27322474 (cited by Labcorp Genetics (formerly Invitae), Labcorp); PubMed 32126153 (cited by Labcorp Genetics (formerly Invitae), Labcorp and UAB Medical Genomics Laboratory, UAB Medicine).